The following is an entry in ClinVar:

NM_000051.4(ATM):c.2534A>G (p.Asn845Ser)

Gene: ATM (ATM serine/threonine kinase; plus strand). Cytogenetic location: 11q22.3.
Variant type: single nucleotide variant.
Coding change: c.2534A>G on transcript NM_000051.4 (MANE Select); coding-DNA position 2534, A replaced by G.
Protein change: p.Asn845Ser; replaces asparagine 845 with serine.
Molecular consequence: missense variant.
Genome position (GRCh38, 1-based): chr11:108,267,238, A>G. VCF-style: chr11-108267238-A-G. GRCh37 (hg19) VCF-style: chr11-108137965-A-G.
Other names: c.2534A>G, p.Asn845Ser (NM_001351834.2); short protein forms N845S.
Identifiers: ClinVar variation 407543 (VCV000407543.9), dbSNP rs1060501591, ClinGen allele CA16613104.

ClinVar aggregate classification (germline): Uncertain significance (1 of 4 stars; one submission).

Conditions:
Ataxia-telangiectasia syndrome (AT). Also called: Ataxia telangiectasia (A-T); LOUIS-BAR SYNDROME; Cerebello-oculocutaneous telangiectasia; Immunodeficiency with ataxia telangiectasia; Ataxia-telangiectasia, complementation group D; AT, COMPLEMENTATION GROUP C. Identifiers: Orphanet 100, MedGen C0004135, MONDO:0008840, OMIM 208900.

Allele frequency attached by ClinVar (database versions not stated): gnomAD exomes below 0.00001; TOPMed 0.00001.
gnomAD v4.1: 1 of 1,614,156 alleles (0.000062%); highest among the groups gnomAD compares: Non-Finnish European, 0.000085%; no homozygotes.

Submission:

Labcorp Genetics (formerly Invitae), Labcorp
Classification: Uncertain significance for Ataxia-telangiectasia syndrome. Last evaluated: 2016-07-26. Review status: criteria provided, single submitter. Criteria: Invitae Variant Classification Sherloc (09022015). Collection method: clinical testing. Allele origin: germline.
Comment: Algorithms developed to predict the effect of missense changes on protein structure and function output the following: (SIFT: "Tolerated"; PolyPhen-2: "Benign"; Align-GVGD: "Class C0"). The serine amino acid residue is also found in multiple mammalian species, suggesting that this missense change does not adversely affect protein function. These predictions have not been confirmed by published functional studies. In summary, this variant is a novel missense change that is not predicted to affect protein function. There is no indication that it causes disease, but the available evidence is currently insufficient to prove that conclusively. Therefore, it has been classified as a Variant of Uncertain Significance. This variant is not present in population databases (ExAC no frequency) and has not been reported in the literature in individuals with an ATM-related disease. This sequence change replaces asparagine with serine at codon 845 of the ATM protein (p.Asn845Ser). The asparagine residue is weakly conserved and there is a small physicochemical difference between asparagine and serine.